The following is an entry in ClinVar:

NM_198282.4(STING1):c.216C>T (p.His72=)

Gene: STING1 (stimulator of interferon response cGAMP interactor 1; minus strand). Cytogenetic location: 5q31.2.
Variant type: single nucleotide variant.
Coding change: c.216C>T on transcript NM_198282.4 (MANE Select); coding-DNA position 216, C replaced by T.
Protein change: p.His72=; no amino-acid change (histidine 72 retained).
Molecular consequence: synonymous variant. On other transcripts: intron variant (1).
Genome position (GRCh38, 1-based): chr5:139,481,489, G>A on the plus strand (C>T on the coding strand, the complement: STING1 is on the minus strand). VCF-style: chr5-139481489-G-A. GRCh37 (hg19) VCF-style: chr5-138861074-G-A.
Other names: c.216C>T, p.His72= (NM_001301738.2); c.-130-147C>T (NM_001367258.1); c.216C>T (NM_198282.3).
Identifiers: ClinVar variation 2065150 (VCV002065150.6), dbSNP rs147482780, ClinGen allele CA3435480.

ClinVar aggregate classification (germline): Likely benign. Review status: criteria provided, single submitter (1 of 4 stars). 2 submissions from 2 submitters: Likely benign (1). 1 of the submissions does not count toward it. Last evaluated 2025-10-07.

Conditions:
STING1-related disorder. Also called: STING1-related condition.
STING-associated vasculopathy with onset in infancy. Also called: Sting-associated vasculopathy, infantile-onset. Identifiers: Orphanet 425120, MedGen C4014722, MONDO:0014405, OMIM 615934.

Allele frequency attached by ClinVar (database versions not stated): ExAC 0.00005; gnomAD exomes 0.00002; ESP Exome Variant Server 0.00046; gnomAD 0.00019; TOPMed 0.00022.
gnomAD v4.1: 62 of 1,613,716 alleles (0.0038%); highest among the groups gnomAD compares: African/African-American, 0.077%; no homozygotes.

Submissions (2):

Labcorp Genetics (formerly Invitae), Labcorp
Classification: Likely benign for STING-associated vasculopathy with onset in infancy. Last evaluated: 2025-10-07. Review status: criteria provided, single submitter. Criteria: Invitae Variant Classification Sherloc (09022015). Collection method: clinical testing. Allele origin: germline.

PreventionGenetics, part of Exact Sciences
Classification: Likely benign for STING1-related condition. Last evaluated: 2019-04-10. Review status: no assertion criteria provided. Collection method: clinical testing. Allele origin: germline. Not counted in ClinVar's aggregate classification.
Comment: This variant is classified as likely benign based on ACMG/AMP sequence variant interpretation guidelines (Richards et al. 2015 PMID: 25741868, with internal and published modifications).